The following is an entry in ClinVar:

NM_006494.4(ERF):c.1417G>A (p.Gly473Arg)

Gene: ERF (ETS2 repressor factor; minus strand). Cytogenetic location: 19q13.2.
Variant type: single nucleotide variant.
Coding change: c.1417G>A on transcript NM_006494.4 (MANE Select); coding-DNA position 1417, G replaced by A.
Protein change: p.Gly473Arg; replaces glycine 473 with arginine.
Molecular consequence: missense variant.
Genome position (GRCh38, 1-based): chr19:42,248,695, C>T on the plus strand (G>A on the coding strand, the complement: ERF is on the minus strand). VCF-style: chr19-42248695-C-T. GRCh37 (hg19) VCF-style: chr19-42752847-C-T.
Other names: c.1192G>A, p.Gly398Arg (NM_001301035.2, NM_001308402.2, NM_001312656.2); short protein forms G398R, G473R.
Identifiers: ClinVar variation 2574205 (VCV002574205.1), dbSNP rs2036376758, ClinGen allele CA406105039.

ClinVar aggregate classification (germline): Uncertain significance (1 of 4 stars; one submission).

Allele frequency attached by ClinVar (database versions not stated): gnomAD exomes below 0.00001; TOPMed below 0.00001.
gnomAD v4.1: 3 of 1,611,360 alleles (0.00019%); highest among the groups gnomAD compares: Middle Eastern, 0.017%; no homozygotes.

Submission:

GeneDx
Classification: Uncertain significance. Last evaluated: 2023-01-31. Review status: criteria provided, single submitter. Criteria: GeneDx Variant Classification Process June 2021. Collection method: clinical testing. Allele origin: germline. Affected: yes.
Comment: Not observed at significant frequency in large population cohorts (gnomAD); In silico analysis supports that this missense variant does not alter protein structure/function; Has not been previously published as pathogenic or benign to our knowledge